The following is an entry in ClinVar:

ClinVar aggregate classification (germline): Uncertain significance (1 of 4 stars; one submission).

Conditions:
Hereditary spastic paraplegia 11. Also called: Spastic Paraplegia 11; Nakamura Osame syndrome; Autosomal recessive hereditary spastic paraplegia, mental impairment, and thin corpus callosum; SPASTIC PARAPLEGIA, AUTOSOMAL RECESSIVE, COMPLICATED, WITH THIN CORPUS CALLOSUM; SPASTIC PARAPLEGIA, AUTOSOMAL RECESSIVE, WITH MENTAL IMPAIRMENT AND THIN CORPUS CALLOSUM; Spastic paraplegia, mental retardation and thin corpus callosum. Identifiers: Orphanet 2822, MedGen C1858479, MONDO:0011445, OMIM 604360.

Submission:

Labcorp Genetics (formerly Invitae), Labcorp
Classification: Uncertain significance for Hereditary spastic paraplegia 11. Last evaluated: 2025-02-10. Review status: criteria provided, single submitter. Criteria: Invitae Variant Classification Sherloc (09022015). Collection method: clinical testing. Allele origin: germline.
Comment: This sequence change replaces phenylalanine, which is neutral and non-polar, with serine, which is neutral and polar, at codon 657 of the SPG11 protein (p.Phe657Ser). This variant is not present in population databases (gnomAD no frequency). This variant has not been reported in the literature in individuals affected with SPG11-related conditions. ClinVar contains an entry for this variant (Variation ID: 1468807). Invitae Evidence Modeling of protein sequence and biophysical properties (such as structural, functional, and spatial information, amino acid conservation, physicochemical variation, residue mobility, and thermodynamic stability) has been performed for this missense variant. However, the output from this modeling did not meet the statistical confidence thresholds required to predict the impact of this variant on SPG11 protein function. In summary, the available evidence is currently insufficient to determine the role of this variant in disease. Therefore, it has been classified as a Variant of Uncertain Significance.

NM_025137.4(SPG11):c.1970T>C (p.Phe657Ser)

Gene: SPG11 (SPG11 vesicle trafficking associated, spatacsin; minus strand). Cytogenetic location: 15q21.1.
Variant type: single nucleotide variant.
Coding change: c.1970T>C on transcript NM_025137.4 (MANE Select); coding-DNA position 1970, T replaced by C.
Protein change: p.Phe657Ser; replaces phenylalanine 657 with serine.
Molecular consequence: missense variant.
Genome position (GRCh38, 1-based): chr15:44,628,766, A>G on the plus strand (T>C on the coding strand, the complement: SPG11 is on the minus strand). VCF-style: chr15-44628766-A-G. GRCh37 (hg19) VCF-style: chr15-44920964-A-G.
Other names: c.1970T>C, p.Phe657Ser (NM_001160227.2); short protein forms F657S.
Identifiers: ClinVar variation 1468807 (VCV001468807.6), dbSNP rs2141043523, ClinGen allele CA392234268.